The following is an entry in ClinVar:

NM_024298.5(MBOAT7):c.1116C>A (p.Cys372Ter)

Gene: MBOAT7 (membrane bound acylglycerophosphatidylinositol O-acyltransferase MBOAT7; minus strand). Cytogenetic location: 19q13.42.
Variant type: single nucleotide variant.
Coding change: c.1116C>A on transcript NM_024298.5 (MANE Select); coding-DNA position 1116, C replaced by A.
Protein change: p.Cys372Ter; replaces cysteine 372 with a stop codon.
Molecular consequence: nonsense.
Genome position (GRCh38, 1-based): chr19:54,174,347, G>T on the plus strand (C>A on the coding strand, the complement: MBOAT7 is on the minus strand). VCF-style: chr19-54174347-G-T. GRCh37 (hg19) VCF-style: chr19-54678041-G-T.
Other names: c.897C>A, p.Cys299Ter (NM_001146056.3, NM_001146083.3); short protein forms C299*, C372*.
Identifiers: ClinVar variation 1698185 (VCV001698185.3), dbSNP rs372024006, ClinGen allele CA309345283.
Genomic context (GRCh38, chr19:54,174,347, plus strand): 5'-CTGGCCCCCTGGGCTCAGCCGCCCCCGCAGGGCTGACTCCAGCCGGCCCTCGGCAGCCAG[G>T]CACAGCGGGATGGTCAGGAAGCTCAGGTAGTAGCCCGGGTGGAGGCCGTGCCAGTAGGCG-3'

ClinVar aggregate classification (germline): Likely pathogenic (1 of 4 stars; one submission).

Allele frequency attached by ClinVar (database versions not stated): ESP Exome Variant Server 0.00008; gnomAD exomes below 0.00001; TOPMed below 0.00001.
gnomAD v4.1: 1 of 1,612,786 alleles (0.000062%); highest among the groups gnomAD compares: Non-Finnish European, 0.000085%; no homozygotes.

Submission:

GeneDx
Classification: Likely pathogenic. Last evaluated: 2026-04-16. Review status: criteria provided, single submitter. Criteria: GeneDx Variant Classification Process June 2021. Collection method: clinical testing. Allele origin: germline.
Comment: Nonsense variant predicted to result in protein truncation, as the last 101 amino acid(s) are lost, and other loss-of-function variants have been reported downstream in HGMD; Not observed at significant frequency in large population cohorts (gnomAD); Has not been previously published as pathogenic or benign to our knowledge